The following is an entry in ClinVar:

ClinVar aggregate classification (germline): Uncertain significance (1 of 4 stars; one submission).

Conditions:
Familial cancer of breast. Also called: hereditary breast carcinoma; BREAST CANCER, FAMILIAL; Hereditary breast cancer. Identifiers: Orphanet 227535, MedGen C0346153, MONDO:0016419, OMIM 114480. Disease mechanism: loss of function.

Submission:

Labcorp Genetics (formerly Invitae), Labcorp
Classification: Uncertain significance for Familial cancer of breast. Last evaluated: 2022-01-01. Review status: criteria provided, single submitter. Criteria: Invitae Variant Classification Sherloc (09022015). Collection method: clinical testing. Allele origin: germline.
Comment: Algorithms developed to predict the effect of missense changes on protein structure and function are either unavailable or do not agree on the potential impact of this missense change (SIFT: "Deleterious"; PolyPhen-2: "Possibly Damaging"; Align-GVGD: "Class C0"). This sequence change replaces cysteine, which is neutral and slightly polar, with serine, which is neutral and polar, at codon 385 of the CHEK2 protein (p.Cys385Ser). This variant is not present in population databases (gnomAD no frequency). This variant has not been reported in the literature in individuals affected with CHEK2-related conditions. In summary, the available evidence is currently insufficient to determine the role of this variant in disease. Therefore, it has been classified as a Variant of Uncertain Significance.

NM_007194.4(CHEK2):c.1154G>C (p.Cys385Ser)

Gene: CHEK2 (checkpoint kinase 2; minus strand). Cytogenetic location: 22q12.1.
Variant type: single nucleotide variant.
Coding change: c.1154G>C on transcript NM_007194.4 (MANE Select); coding-DNA position 1154, G replaced by C.
Protein change: p.Cys385Ser; replaces cysteine 385 with serine.
Molecular consequence: missense variant.
Genome position (GRCh38, 1-based): chr22:28,695,815, C>G on the plus strand (G>C on the coding strand, the complement: CHEK2 is on the minus strand). VCF-style: chr22-28695815-C-G. GRCh37 (hg19) VCF-style: chr22-29091803-C-G.
Other names: c.1283G>C, p.Cys428Ser (NM_001005735.3); c.491G>C, p.Cys164Ser (NM_001257387.3); c.953G>C, p.Cys318Ser (NM_001349956.3); c.1067G>C, p.Cys356Ser (NM_145862.3); short protein forms C385S, C428S, C356S, C164S, C318S.
Identifiers: ClinVar variation 1394499 (VCV001394499.7), dbSNP rs145324174, ClinGen allele CA411096884.